The following is an entry in ClinVar:

ClinVar aggregate classification (germline): Uncertain significance (0 of 4 stars; one submission).

Conditions:
CREBBP-related disorder. Also called: CREBBP-related condition; CREBBP-related disorders.

Allele frequency attached by ClinVar (database versions not stated): gnomAD exomes below 0.00001; ExAC 0.00001; gnomAD 0.00003; TOPMed 0.00003.
gnomAD v4.1: 13 of 1,614,034 alleles (0.00081%); highest among the groups gnomAD compares: African/African-American, 0.015%; no homozygotes.

Submission:

PreventionGenetics, part of Exact Sciences
Classification: Uncertain significance for CREBBP-related condition. Last evaluated: 2024-03-13. Review status: no assertion criteria provided. Collection method: clinical testing. Allele origin: germline.
Comment: The CREBBP c.2125T>C variant is predicted to result in the amino acid substitution p.Ser709Pro. To our knowledge, this variant has not been reported in the literature. This variant is reported in 0.012% of alleles in individuals of African descent in gnomAD. Although we suspect that this variant may be benign, at this time, the clinical significance of this variant is uncertain due to the absence of conclusive functional and genetic evidence.

NM_004380.3(CREBBP):c.2125T>C (p.Ser709Pro)

Gene: CREBBP (CREB binding lysine acetyltransferase; minus strand). Cytogenetic location: 16p13.3.
Variant type: single nucleotide variant.
Coding change: c.2125T>C on transcript NM_004380.3 (MANE Select); coding-DNA position 2125, T replaced by C.
Protein change: p.Ser709Pro; replaces serine 709 with proline.
Molecular consequence: missense variant.
Genome position (GRCh38, 1-based): chr16:3,777,646, A>G on the plus strand (T>C on the coding strand, the complement: CREBBP is on the minus strand). VCF-style: chr16-3777646-A-G. GRCh37 (hg19) VCF-style: chr16-3827647-A-G.
Other names: c.2011T>C, p.Ser671Pro (NM_001079846.1); short protein forms S671P, S709P.
Identifiers: ClinVar variation 2636268 (VCV002636268.2), dbSNP rs748006247, ClinGen allele CA7870252.